The following is an entry in ClinVar:

NM_000051.4(ATM):c.9094G>A (p.Val3032Met)

Genes: C11orf65 (chromosome 11 open reading frame 65; minus strand), ATM (ATM serine/threonine kinase; plus strand). Cytogenetic location: 11q22.3.
Variant type: single nucleotide variant.
Coding change: c.9094G>A on transcript NM_000051.4 (MANE Select); coding-DNA position 9094, G replaced by A.
Protein change: p.Val3032Met; replaces valine 3032 with methionine.
Molecular consequence: missense variant. On other transcripts: intron variant (2).
Genome position (GRCh38, 1-based): chr11:108,365,431, G>A. VCF-style: chr11-108365431-G-A. GRCh37 (hg19) VCF-style: chr11-108236158-G-A.
Other names: p.Val3032Met; c.9094G>A, p.Val3032Met (NM_001351834.2); c.640+20489C>T (NM_001330368.2); c.694+20489C>T (NM_001351110.2); short protein forms V3032M.
Identifiers: ClinVar variation 407451 (VCV000407451.25), dbSNP rs587779877, ClinGen allele CA16613205.

ClinVar aggregate classification (germline): Uncertain significance. Review status: criteria provided, multiple submitters, no conflicts (2 of 4 stars). 5 submissions from 5 submitters: Uncertain significance (4). 1 of the submissions does not count toward it. Last evaluated 2025-01-24.

Conditions:
Ataxia-telangiectasia syndrome (AT). Also called: LOUIS-BAR SYNDROME; Cerebello-oculocutaneous telangiectasia; Immunodeficiency with ataxia telangiectasia; Ataxia-telangiectasia, complementation group D; AT, COMPLEMENTATION GROUP C; Ataxia-telangiectasia, complementation group E. Identifiers: Orphanet 100, MedGen C0004135, MONDO:0008840, OMIM 208900.
Hereditary cancer-predisposing syndrome. Also called: Neoplastic Syndromes, Hereditary; Hereditary Cancer Syndrome; Tumor predisposition; Hereditary neoplastic syndrome. Identifiers: Orphanet 140162, MedGen C0027672, MeSH D009386, MONDO:0015356.

Submissions (5):

Mayo Clinic Laboratories, Mayo Clinic
Classification: Uncertain significance. Last evaluated: 2025-01-24. Review status: criteria provided, single submitter. Criteria: ACMG Guidelines, 2015. Collection method: clinical testing. Allele origin: germline. Observed: 1 variant allele.
Comment: PP3, PM2_supporting

Labcorp Genetics (formerly Invitae), Labcorp
Classification: Uncertain significance for Ataxia-telangiectasia syndrome. Last evaluated: 2025-01-19. Review status: criteria provided, single submitter. Criteria: Invitae Variant Classification Sherloc (09022015). Collection method: clinical testing. Allele origin: germline.
Comment: This sequence change replaces valine, which is neutral and non-polar, with methionine, which is neutral and non-polar, at codon 3032 of the ATM protein (p.Val3032Met). This variant is not present in population databases (gnomAD no frequency). This variant has not been reported in the literature in individuals affected with ATM-related conditions. ClinVar contains an entry for this variant (Variation ID: 407451). Invitae Evidence Modeling of protein sequence and biophysical properties (such as structural, functional, and spatial information, amino acid conservation, physicochemical variation, residue mobility, and thermodynamic stability) indicates that this missense variant is expected to disrupt ATM protein function with a positive predictive value of 95%. In summary, the available evidence is currently insufficient to determine the role of this variant in disease. Therefore, it has been classified as a Variant of Uncertain Significance.

Ambry Genetics
Classification: Uncertain significance for Hereditary cancer-predisposing syndrome. Last evaluated: 2024-07-18. Review status: criteria provided, single submitter. Criteria: Ambry Variant Classification Scheme 2023. Collection method: clinical testing. Allele origin: germline.
Comment: The p.V3032M variant (also known as c.9094G>A), located in coding exon 62 of the ATM gene, results from a G to A substitution at nucleotide position 9094. The valine at codon 3032 is replaced by methionine, an amino acid with highly similar properties. This amino acid position is highly conserved in available vertebrate species. In addition, this alteration is predicted to be deleterious by in silico analysis. Based on the available evidence, the clinical significance of this variant remains unclear.

GeneDx
Classification: Uncertain significance. Last evaluated: 2024-02-09. Review status: criteria provided, single submitter. Criteria: GeneDx Variant Classification Process June 2021. Collection method: clinical testing. Allele origin: germline. Affected: yes.
Comment: Not observed at significant frequency in large population cohorts (gnomAD); In silico analysis supports that this missense variant does not alter protein structure/function; Has not been previously published as pathogenic or benign to our knowledge; This variant is associated with the following publications: (PMID: 23532176)

Natera, Inc.
Classification: Uncertain significance for Ataxia-telangiectasia. Last evaluated: 2020-12-14. Review status: no assertion criteria provided. Collection method: clinical testing. Allele origin: germline. Not counted in ClinVar's aggregate classification.